The following is an entry in ClinVar:

ClinVar aggregate classification (germline): Uncertain significance (1 of 4 stars; one submission).

Conditions:
Vitamin B2 deficiency. Identifiers: MedGen C0035528.

Submission:

Labcorp Genetics (formerly Invitae), Labcorp
Classification: Uncertain significance for Vitamin B2 deficiency. Last evaluated: 2025-10-08. Review status: criteria provided, single submitter. Criteria: Invitae Variant Classification Sherloc (09022015). Collection method: clinical testing. Allele origin: germline.
Comment: This sequence change replaces arginine, which is basic and polar, with proline, which is neutral and non-polar, at codon 8 of the SLC52A1 protein (p.Arg8Pro). This variant is present in population databases (no rsID available, gnomAD 0.003%). This variant has not been reported in the literature in individuals affected with SLC52A1-related conditions. An algorithm developed to predict the effect of missense changes on protein structure and function (PolyPhen-2) suggests that this variant is likely to be disruptive. In summary, the available evidence is currently insufficient to determine the role of this variant in disease. Therefore, it has been classified as a Variant of Uncertain Significance.

NM_017986.4(SLC52A1):c.23G>C (p.Arg8Pro)

Gene: SLC52A1 (solute carrier family 52 member 1; minus strand). Cytogenetic location: 17p13.2.
Variant type: single nucleotide variant.
Coding change: c.23G>C on transcript NM_017986.4 (MANE Select); coding-DNA position 23, G replaced by C.
Protein change: p.Arg8Pro; replaces arginine 8 with proline.
Molecular consequence: missense variant.
Genome position (GRCh38, 1-based): chr17:5,034,584, C>G on the plus strand (G>C on the coding strand, the complement: SLC52A1 is on the minus strand). VCF-style: chr17-5034584-C-G. GRCh37 (hg19) VCF-style: chr17-4937879-C-G.
Other names: c.23G>C, p.Arg8Pro (NM_001104577.2); short protein forms R8P.
Identifiers: ClinVar variation 4728300 (VCV004728300.1).